The following is an entry in ClinVar:

NM_000079.4(CHRNA1):c.661A>G (p.Ile221Val)

Gene: CHRNA1 (cholinergic receptor nicotinic alpha 1 subunit; minus strand). Cytogenetic location: 2q31.1.
Variant type: single nucleotide variant.
Coding change: c.661A>G on transcript NM_000079.4 (MANE Select); coding-DNA position 661, A replaced by G.
Protein change: p.Ile221Val; replaces isoleucine 221 with valine.
Molecular consequence: missense variant.
Genome position (GRCh38, 1-based): chr2:174,753,620, T>C on the plus strand (A>G on the coding strand, the complement: CHRNA1 is on the minus strand). VCF-style: chr2-174753620-T-C. GRCh37 (hg19) VCF-style: chr2-175618348-T-C.
Other names: c.736A>G, p.Ile246Val (NM_001039523.3); short protein forms I221V, I246V.
Identifiers: ClinVar variation 3015987 (VCV003015987.3), dbSNP rs2468893512, ClinGen allele CA349339572.

ClinVar aggregate classification (germline): Uncertain significance (1 of 4 stars; one submission).

Conditions:
Lethal multiple pterygium syndrome (LMPS). Identifiers: Orphanet 33108, MedGen C1854678, MONDO:0009668, OMIM 253290.

Submission:

Labcorp Genetics (formerly Invitae), Labcorp
Classification: Uncertain significance for Lethal multiple pterygium syndrome. Last evaluated: 2023-12-20. Review status: criteria provided, single submitter. Criteria: Invitae Variant Classification Sherloc (09022015). Collection method: clinical testing. Allele origin: germline.
Comment: This sequence change replaces isoleucine, which is neutral and non-polar, with valine, which is neutral and non-polar, at codon 221 of the CHRNA1 protein (p.Ile221Val). This variant is not present in population databases (gnomAD no frequency). This variant has not been reported in the literature in individuals affected with CHRNA1-related conditions. Advanced modeling of protein sequence and biophysical properties (such as structural, functional, and spatial information, amino acid conservation, physicochemical variation, residue mobility, and thermodynamic stability) performed at Invitae indicates that this missense variant is not expected to disrupt CHRNA1 protein function with a negative predictive value of 80%. In summary, the available evidence is currently insufficient to determine the role of this variant in disease. Therefore, it has been classified as a Variant of Uncertain Significance.